The following is an entry in ClinVar:

ClinVar aggregate classification (germline): Uncertain significance (1 of 4 stars; one submission).

Conditions:
Inborn genetic diseases. Identifiers: MedGen C0950123, MeSH D030342.

gnomAD v4.1: 1 of 1,614,076 alleles (0.000062%); highest among the groups gnomAD compares: African/African-American, 0.0013%; no homozygotes.

Submission:

Ambry Genetics
Classification: Uncertain significance for Inborn genetic diseases. Last evaluated: 2025-11-19. Review status: criteria provided, single submitter. Criteria: Ambry Variant Classification Scheme 2023. Collection method: clinical testing. Allele origin: germline.
Comment: The c.4633C>T (p.P1545S) alteration is located in exon 25 (coding exon 24) of the MYO9A gene. This alteration results from a C to T substitution at nucleotide position 4633, causing the proline (P) at amino acid position 1545 to be replaced by a serine (S). Based on data from gnomAD, the T allele has an overall frequency of <0.001% (1/251160) total alleles studied. The highest observed frequency was 0.006% (1/16252) of African alleles. Based on insufficient or conflicting evidence, the clinical significance of this alteration remains unclear.

NM_006901.4(MYO9A):c.4633C>T (p.Pro1545Ser)

Gene: MYO9A (myosin IXA; minus strand). Cytogenetic location: 15q23.
Variant type: single nucleotide variant.
Coding change: c.4633C>T on transcript NM_006901.4 (MANE Select); coding-DNA position 4633, C replaced by T.
Protein change: p.Pro1545Ser; replaces proline 1545 with serine.
Molecular consequence: missense variant.
Genome position (GRCh38, 1-based): chr15:71,897,870, G>A on the plus strand (C>T on the coding strand, the complement: MYO9A is on the minus strand). VCF-style: chr15-71897870-G-A. GRCh37 (hg19) VCF-style: chr15-72190211-G-A.
Other names: short protein forms P1545S.
Identifiers: ClinVar variation 4625648 (VCV004625648.1).